The following is an entry in ClinVar:

ClinVar aggregate classification (germline): Uncertain significance. Review status: criteria provided, multiple submitters, no conflicts (2 of 4 stars). 2 submissions from 2 submitters: Uncertain significance (2). Last evaluated 2025-07-06.

Submissions (2):

Labcorp Genetics (formerly Invitae), Labcorp
Classification: Uncertain significance. Last evaluated: 2025-07-06. Review status: criteria provided, single submitter. Criteria: Invitae Variant Classification Sherloc (09022015). Collection method: clinical testing. Allele origin: germline.
Comment: This sequence change replaces tyrosine, which is neutral and polar, with histidine, which is basic and polar, at codon 389 of the DNAAF4 protein (p.Tyr389His). This variant is not present in population databases (gnomAD no frequency). This variant has not been reported in the literature in individuals affected with DNAAF4-related conditions. ClinVar contains an entry for this variant (Variation ID: 1695681). Invitae Evidence Modeling of protein sequence and biophysical properties (such as structural, functional, and spatial information, amino acid conservation, physicochemical variation, residue mobility, and thermodynamic stability) indicates that this missense variant is expected to disrupt DNAAF4 protein function with a positive predictive value of 80%. In summary, the available evidence is currently insufficient to determine the role of this variant in disease. Therefore, it has been classified as a Variant of Uncertain Significance.

GeneDx
Classification: Uncertain significance. Last evaluated: 2022-01-10. Review status: criteria provided, single submitter. Criteria: GeneDx Variant Classification Process June 2021. Collection method: clinical testing. Allele origin: germline. Affected: yes.
Comment: Not observed at significant frequency in large population cohorts (gnomAD); In silico analysis supports that this missense variant has a deleterious effect on protein structure/function; Has not been previously published as pathogenic or benign to our knowledge

NM_130810.4(DNAAF4):c.1165T>C (p.Tyr389His)

Genes: DNAAF4 (dynein axonemal assembly factor 4; minus strand), DNAAF4-CCPG1 (DNAAF4-CCPG1 readthrough (NMD candidate); minus strand). Cytogenetic location: 15q21.3.
Variant type: single nucleotide variant.
Coding change: c.1165T>C on transcript NM_130810.4 (MANE Select); coding-DNA position 1165, T replaced by C.
Protein change: p.Tyr389His; replaces tyrosine 389 with histidine.
Molecular consequence: missense variant. On other transcripts: synonymous variant (1), intron variant (1).
Genome position (GRCh38, 1-based): chr15:55,430,768, A>G on the plus strand (T>C on the coding strand, the complement: DNAAF4 is on the minus strand). VCF-style: chr15-55430768-A-G. GRCh37 (hg19) VCF-style: chr15-55722966-A-G.
Other names: c.1059T>C, p.Ile353= (NM_001033559.3); c.1047+4137T>C (NM_001033560.2); short protein forms Y389H.
Identifiers: ClinVar variation 1695681 (VCV001695681.3), dbSNP rs2141395033, ClinGen allele CA392546858.